The following is an entry in ClinVar:

NM_000245.4(MET):c.4085T>C (p.Val1362Ala)

Gene: MET (MET proto-oncogene, receptor tyrosine kinase; plus strand). Cytogenetic location: 7q31.2.
Variant type: single nucleotide variant.
Coding change: c.4085T>C on transcript NM_000245.4 (MANE Select); coding-DNA position 4085, T replaced by C.
Protein change: p.Val1362Ala; replaces valine 1362 with alanine.
Molecular consequence: missense variant.
Genome position (GRCh38, 1-based): chr7:116,796,036, T>C. VCF-style: chr7-116796036-T-C. GRCh37 (hg19) VCF-style: chr7-116436090-T-C.
Other names: c.4139T>C, p.Val1380Ala (NM_001127500.3); c.2795T>C, p.Val932Ala (NM_001324402.2); short protein forms V1380A, V1362A, V932A.
Identifiers: ClinVar variation 3689575 (VCV003689575.2).

ClinVar aggregate classification (germline): Uncertain significance (1 of 4 stars; one submission).

Conditions:
Renal cell carcinoma. Identifiers: Orphanet 217071, MedGen C0007134, MeSH D002292, MONDO:0005086, HP:0005584.

Submission:

Labcorp Genetics (formerly Invitae), Labcorp
Classification: Uncertain significance for Renal cell carcinoma. Last evaluated: 2024-07-16. Review status: criteria provided, single submitter. Criteria: Invitae Variant Classification Sherloc (09022015). Collection method: clinical testing. Allele origin: germline.
Comment: This sequence change replaces valine, which is neutral and non-polar, with alanine, which is neutral and non-polar, at codon 1380 of the MET protein (p.Val1380Ala). This variant is not present in population databases (gnomAD no frequency). This variant has not been reported in the literature in individuals affected with MET-related conditions. An algorithm developed to predict the effect of missense changes on protein structure and function (PolyPhen-2) suggests that this variant is likely to be tolerated. In summary, the available evidence is currently insufficient to determine the role of this variant in disease. Therefore, it has been classified as a Variant of Uncertain Significance.